The following is an entry in ClinVar:

NM_178452.6(DNAAF1):c.1172C>T (p.Pro391Leu)

Gene: DNAAF1 (dynein axonemal assembly factor 1; plus strand). Cytogenetic location: 16q24.1.
Variant type: single nucleotide variant.
Coding change: c.1172C>T on transcript NM_178452.6 (MANE Select); coding-DNA position 1172, C replaced by T.
Protein change: p.Pro391Leu; replaces proline 391 with leucine.
Molecular consequence: missense variant.
Genome position (GRCh38, 1-based): chr16:84,170,000, C>T. VCF-style: chr16-84170000-C-T. GRCh37 (hg19) VCF-style: chr16-84203606-C-T.
Other names: c.464C>T, p.Pro155Leu (NM_001318756.1); short protein forms P391L, P155L.
Identifiers: ClinVar variation 955239 (VCV000955239.9), dbSNP rs767204860, ClinGen allele CA8202778.

ClinVar aggregate classification (germline): Conflicting classifications of pathogenicity. Review status: criteria provided, conflicting classifications (1 of 4 stars). 5 submissions from 5 submitters: Uncertain significance (4); Likely benign (1). Last evaluated 2026-07-01.

Conditions:
Primary ciliary dyskinesia 13. Also called: CILIARY DYSKINESIA, PRIMARY, 13, WITH OR WITHOUT SITUS INVERSUS. Identifiers: Orphanet 244, MedGen C2750790, MONDO:0013174, OMIM 613193.
Primary ciliary dyskinesia. Also called: Ciliary dyskinesia. Identifiers: Orphanet 244, MedGen C0008780, MONDO:0016575, HP:0012265.

Allele frequency attached by ClinVar (database versions not stated): TOPMed 0.00003; gnomAD 0.00008 and 0.00009.
gnomAD v4.1: 155 of 1,613,792 alleles (0.0096%); highest among the groups gnomAD compares: South Asian, 0.051%; no homozygotes.

Submissions (5):

CeGaT Center for Human Genetics Tuebingen
Classification: Likely benign. Last evaluated: 2026-07-01. Review status: criteria provided, single submitter. Criteria: CeGaT Center For Human Genetics Tuebingen Variant Classification Criteria Version 2. Collection method: clinical testing. Allele origin: germline. Affected: yes. Observed: 1 variant allele.
Comment: DNAAF1: BP4

Fulgent Genetics
Classification: Uncertain significance for Primary ciliary dyskinesia 13. Last evaluated: 2024-02-28. Review status: criteria provided, single submitter. Criteria: ACMG Guidelines, 2015. Collection method: clinical testing. Allele origin: germline.

Ambry Genetics
Classification: Uncertain significance for Primary ciliary dyskinesia. Last evaluated: 2023-12-26. Review status: criteria provided, single submitter. Criteria: Ambry Variant Classification Scheme 2023. Collection method: clinical testing. Allele origin: germline.
Comment: The p.P391L variant (also known as c.1172C>T), located in coding exon 8 of the DNAAF1 gene, results from a C to T substitution at nucleotide position 1172. The proline at codon 391 is replaced by leucine, an amino acid with similar properties. This amino acid position is conserved. In addition, this alteration is predicted to be tolerated by in silico analysis. Since supporting evidence is limited at this time, the clinical significance of this alteration remains unclear.

Blueprint Genetics
Classification: Uncertain significance. Last evaluated: 2023-09-15. Review status: criteria provided, single submitter. Criteria: ACMG Guidelines, 2015. Collection method: clinical testing. Allele origin: germline.

Labcorp Genetics (formerly Invitae), Labcorp
Classification: Uncertain significance for Primary ciliary dyskinesia. Last evaluated: 2022-05-03. Review status: criteria provided, single submitter. Criteria: Invitae Variant Classification Sherloc (09022015). Collection method: clinical testing. Allele origin: germline.
Comment: This sequence change replaces proline, which is neutral and non-polar, with leucine, which is neutral and non-polar, at codon 391 of the DNAAF1 protein (p.Pro391Leu). This variant is present in population databases (rs767204860, gnomAD 0.06%). This variant has not been reported in the literature in individuals affected with DNAAF1-related conditions. ClinVar contains an entry for this variant (Variation ID: 955239). Algorithms developed to predict the effect of missense changes on protein structure and function are either unavailable or do not agree on the potential impact of this missense change (SIFT: "Deleterious"; PolyPhen-2: "Benign"; Align-GVGD: "Class C0"). In summary, the available evidence is currently insufficient to determine the role of this variant in disease. Therefore, it has been classified as a Variant of Uncertain Significance.